The following is an entry in ClinVar:

NM_000283.4(PDE6B):c.2395C>T (p.Arg799Ter)

Genes: ATP5ME (ATP synthase membrane subunit e; minus strand), PDE6B (phosphodiesterase 6B; plus strand). Cytogenetic location: 4p16.3.
Variant type: single nucleotide variant.
Coding change: c.2395C>T on transcript NM_000283.4 (MANE Select); coding-DNA position 2395, C replaced by T.
Protein change: p.Arg799Ter; replaces arginine 799 with a stop codon.
Molecular consequence: nonsense.
Genome position (GRCh38, 1-based): chr4:667,898, C>T. VCF-style: chr4-667898-C-T. GRCh37 (hg19) VCF-style: chr4-661687-C-T.
Other names: c.2395C>T, p.Arg799Ter (NM_001145291.2); c.1558C>T, p.Arg520Ter (NM_001145292.2, NM_001350154.3, NM_001379246.1 and 1 more transcripts); c.1240C>T, p.Arg414Ter (NM_001350155.3); short protein forms R799*, R520*, R414*.
Identifiers: ClinVar variation 620164 (VCV000620164.15), dbSNP rs970990957, ClinGen allele CA91094843.

ClinVar aggregate classification (germline): Pathogenic. Review status: criteria provided, multiple submitters, no conflicts (2 of 4 stars). 7 submissions from 7 submitters: Pathogenic (7). Last evaluated 2025-04-09.

Conditions:
PDE6B-related disorder. Also called: PDE6B-related disorders; PDE6B-related disease; PDE6B-related condition.
Retinitis pigmentosa 40 (RP40). Identifiers: Orphanet 791, MedGen C3151107, MONDO:0013429, OMIM 613801.
Tyrosinase-positive oculocutaneous albinism (OCA2). Also called: Oculocutaneous albinism type 2; Albinism, oculocutaneous, type II; ALBINISM II. Identifiers: Orphanet 79432, MedGen C0268495, MONDO:0008746, OMIM 203200.
Retinitis pigmentosa (RP). Identifiers: Orphanet 791, MedGen C0035334, MeSH D012174, MONDO:0019200, OMIM 268000. Inheritance: Autosomal dominant, autosomal recessive and X linked inheritance.
Retinal dystrophy. Also called: Inherited retinal dystrophy. Identifiers: Orphanet 71862, MedGen C0854723, MeSH D058499, MONDO:0019118, HP:0000556.

Allele frequency attached by ClinVar (database versions not stated): TOPMed 0.00001.
gnomAD v4.1: 17 of 1,613,456 alleles (0.0011%); highest among the groups gnomAD compares: African/African-American, 0.0013%; no homozygotes.

Submissions (7):

Labcorp Genetics (formerly Invitae), Labcorp
Classification: Pathogenic. Last evaluated: 2025-04-09. Review status: criteria provided, single submitter. Criteria: Invitae Variant Classification Sherloc (09022015). Collection method: clinical testing. Allele origin: germline.
Comment: This sequence change creates a premature translational stop signal (p.Arg799*) in the PDE6B gene. It is expected to result in an absent or disrupted protein product. Loss-of-function variants in PDE6B are known to be pathogenic (PMID: 8394174, 8595886, 22334370). This variant is not present in population databases (gnomAD no frequency). This premature translational stop signal has been observed in individual(s) with autosomal recessive retinitis pigmentosa (PMID: 27588261). In at least one individual the data is consistent with being in trans (on the opposite chromosome) from a pathogenic variant. ClinVar contains an entry for this variant (Variation ID: 620164). For these reasons, this variant has been classified as Pathogenic.

GeneDx
Classification: Pathogenic. Last evaluated: 2024-03-21. Review status: criteria provided, single submitter. Criteria: GeneDx Variant Classification Process June 2021. Collection method: clinical testing. Allele origin: germline. Affected: yes.
Comment: Nonsense variant predicted to result in protein truncation or nonsense mediated decay in a gene for which loss of function is a known mechanism of disease; Not observed at significant frequency in large population cohorts (gnomAD); This variant is associated with the following publications: (PMID: 31785789, 33177553, 33946315, 33691693, 27588261, 34721897, 31816670)

3billion
Classification: Pathogenic for Retinitis pigmentosa 40. Last evaluated: 2024-01-10. Review status: criteria provided, single submitter. Criteria: ACMG Guidelines, 2015. Collection method: clinical testing. Allele origin: germline. Affected: yes.
Comment: The variant is not observed in the gnomAD v2.1.1 dataset. Predicted Consequence/Location: Stop-gained (nonsense): predicted to result in a loss or disruption of normal protein function through nonsense-mediated decay (NMD) or protein truncation. Multiple pathogenic variants are reported downstream of the variant. The variant has been reported at least twice as pathogenic with clinical assertions and evidence for the classification (ClinVar ID: VCV000620164 /PMID: 27588261 /3billion dataset). Therefore, this variant is classified as Pathogenic according to the recommendation of ACMG/AMP guideline.

Dept Of Ophthalmology, Nagoya University
Classification: Pathogenic for Retinal dystrophy. Last evaluated: 2023-10-01. Review status: criteria provided, single submitter. Criteria: Submitter's publication. Collection method: research. Allele origin: germline. Affected: yes.

Institute of Medical Genetics and Applied Genomics, University Hospital Tübingen
Classification: Pathogenic for Tyrosinase-positive oculocutaneous albinism. Last evaluated: 2023-09-01. Review status: criteria provided, single submitter. Criteria: ACMG Guidelines, 2015. Collection method: clinical testing. Allele origin: germline. Affected: yes.

Blueprint Genetics
Classification: Pathogenic for PDE6B-related disorders. Last evaluated: 2022-06-20. Review status: criteria provided, single submitter. Criteria: ACMG Guidelines, 2015. Collection method: clinical testing. Allele origin: germline. Affected: yes. Observed: 2 variant alleles.

Mendelics
Classification: Pathogenic for Retinitis pigmentosa. Last evaluated: 2019-05-28. Review status: criteria provided, single submitter. Criteria: Mendelics Assertion Criteria 2017. Collection method: clinical testing. Allele origin: unknown.

Literature cited by the submitters: PubMed 8394174 (cited by Labcorp Genetics (formerly Invitae), Labcorp); PubMed 8595886 (cited by Labcorp Genetics (formerly Invitae), Labcorp); PubMed 22334370 (cited by Labcorp Genetics (formerly Invitae), Labcorp); PubMed 27588261 (cited by Labcorp Genetics (formerly Invitae), Labcorp and 3billion).